The following is an entry in ClinVar:

NM_152328.5(ADSS1):c.193-4988T>A

Gene: ADSS1 (adenylosuccinate synthase 1; plus strand). Cytogenetic location: 14q32.33.
Variant type: single nucleotide variant.
Coding change: c.193-4988T>A on transcript NM_152328.5 (MANE Select); 4988 bases into the intron before coding-DNA position 193, T replaced by A.
Molecular consequence: intron variant. On other transcripts: 5 prime UTR variant (1), missense variant (1).
Genome position (GRCh38, 1-based): chr14:104,730,032, T>A. VCF-style: chr14-104730032-T-A. GRCh37 (hg19) VCF-style: chr14-105196369-T-A.
Other names: c.140T>A (NM_199165.1); c.-588T>A (NM_001320424.1); c.140T>A, p.Leu47Gln (NM_199165.2); short protein forms L47Q.
Identifiers: ClinVar variation 1681882 (VCV001681882.10), dbSNP rs769086716, ClinGen allele CA7373512.

ClinVar aggregate classification (germline): Uncertain significance. Review status: criteria provided, multiple submitters, no conflicts (2 of 4 stars). 2 submissions from 2 submitters: Uncertain significance (2). Last evaluated 2024-12-19.

Conditions:
Myopathy, distal, 5 (MPD5). Also called: Adenylosuccinate synthetase-like 1-related distal myopathy. Identifiers: Orphanet 482601, MedGen C5567521, MONDO:0014877, OMIM 617030.

Allele frequency attached by ClinVar (database versions not stated): gnomAD 0.00001; gnomAD exomes 0.00002; TOPMed 0.00002; ExAC 0.00005.
gnomAD v4.1: 7 of 1,584,250 alleles (0.00044%); highest among the groups gnomAD compares: Admixed American, 0.012%; no homozygotes.

Submissions (2):

Labcorp Genetics (formerly Invitae), Labcorp
Classification: Uncertain significance. Last evaluated: 2024-12-19. Review status: criteria provided, single submitter. Criteria: Invitae Variant Classification Sherloc (09022015). Collection method: clinical testing. Allele origin: germline.
Comment: This sequence change replaces leucine, which is neutral and non-polar, with glutamine, which is neutral and polar, at codon 47 of the ADSSL1 protein (p.Leu47Gln). This variant is present in population databases (rs769086716, gnomAD 0.02%). This variant has not been reported in the literature in individuals affected with ADSSL1-related conditions. ClinVar contains an entry for this variant (Variation ID: 1681882). Experimental studies and prediction algorithms are not available or were not evaluated, and the functional significance of this variant is currently unknown. In summary, the available evidence is currently insufficient to determine the role of this variant in disease. Therefore, it has been classified as a Variant of Uncertain Significance.

Revvity Omics, Revvity
Classification: Uncertain significance for Myopathy, distal, 5. Last evaluated: 2019-06-21. Review status: criteria provided, single submitter. Criteria: ACMG Guidelines, 2015. Collection method: clinical testing. Allele origin: germline.